The following is an entry in ClinVar:

ClinVar aggregate classification (germline): Uncertain significance. Review status: criteria provided, multiple submitters, no conflicts (2 of 4 stars). 2 submissions from 2 submitters: Uncertain significance (2). Last evaluated 2024-01-26.

Submissions (2):

Labcorp Genetics (formerly Invitae), Labcorp
Classification: Uncertain significance. Last evaluated: 2024-01-26. Review status: criteria provided, single submitter. Criteria: Invitae Variant Classification Sherloc (09022015). Collection method: clinical testing. Allele origin: germline.
Comment: This sequence change replaces leucine, which is neutral and non-polar, with proline, which is neutral and non-polar, at codon 516 of the KCNH1 protein (p.Leu516Pro). This variant is not present in population databases (gnomAD no frequency). This variant has not been reported in the literature in individuals affected with KCNH1-related conditions. ClinVar contains an entry for this variant (Variation ID: 2500638). Advanced modeling of protein sequence and biophysical properties (such as structural, functional, and spatial information, amino acid conservation, physicochemical variation, residue mobility, and thermodynamic stability) performed at Invitae indicates that this missense variant is expected to disrupt KCNH1 protein function with a positive predictive value of 95%. In summary, the available evidence is currently insufficient to determine the role of this variant in disease. Therefore, it has been classified as a Variant of Uncertain Significance.

GeneDx
Classification: Uncertain significance. Last evaluated: 2022-10-25. Review status: criteria provided, single submitter. Criteria: GeneDx Variant Classification Process June 2021. Collection method: clinical testing. Allele origin: germline. Affected: yes.
Comment: Not observed at significant frequency in large population cohorts (gnomAD); In silico analysis supports that this missense variant has a deleterious effect on protein structure/function; Has not been previously published as pathogenic or benign to our knowledge

NM_172362.3(KCNH1):c.1547T>C (p.Leu516Pro)

Gene: KCNH1 (potassium voltage-gated channel subfamily H member 1; minus strand). Cytogenetic location: 1q32.2.
Variant type: single nucleotide variant.
Coding change: c.1547T>C on transcript NM_172362.3 (MANE Select); coding-DNA position 1547, T replaced by C.
Protein change: p.Leu516Pro; replaces leucine 516 with proline.
Molecular consequence: missense variant.
Genome position (GRCh38, 1-based): chr1:210,804,082, A>G on the plus strand (T>C on the coding strand, the complement: KCNH1 is on the minus strand). VCF-style: chr1-210804082-A-G. GRCh37 (hg19) VCF-style: chr1-210977424-A-G.
Other names: c.1466T>C, p.Leu489Pro (NM_002238.4); short protein forms L489P, L516P.
Identifiers: ClinVar variation 2500638 (VCV002500638.4), dbSNP rs1684483420, ClinGen allele CA344874418.
Genomic context (GRCh38, chr1:210,804,082, plus strand): 5'-ACTCGCTCACTCAATCCTTTTGGCACCTGGTAGAGCTTCAGGAAGTCCCGAACACTGTTG[A>G]GCATCTCATGGTATCTGTTGGTGTTGGCATACATCTGTTGGAAAATAGTCGTCACATTCC-3'
Protein context (NP_758872.1, residues 506-526): YANTNRYHEM[Leu516Pro]NSVRDFLKLY